The following is an entry in ClinVar:

ClinVar aggregate classification (germline): Uncertain significance (1 of 4 stars; one submission).

Conditions:
SPTBN2-related disorder. Also called: SPTBN2-related condition.

gnomAD v4.1: 33 of 1,610,682 alleles (0.002%); highest among the groups gnomAD compares: African/African-American, 0.033%; no homozygotes.

Submission:

PreventionGenetics, part of Exact Sciences
Classification: Uncertain significance for SPTBN2-related condition. Last evaluated: 2024-12-23. Review status: criteria provided, single submitter. Criteria: ACMG Guidelines, 2015. Collection method: clinical testing. Allele origin: germline.
Comment: The SPTBN2 c.6565C>G variant is predicted to result in the amino acid substitution p.Pro2189Ala. To our knowledge, this variant has not been reported in the literature. This variant is reported in 0.0064% of alleles in individuals of African descent in gnomAD. At this time, the clinical significance of this variant is uncertain due to the absence of conclusive functional and genetic evidence.

NM_006946.4(SPTBN2):c.6565C>G (p.Pro2189Ala)

Gene: SPTBN2 (spectrin beta, non-erythrocytic 2; minus strand). Cytogenetic location: 11q13.2.
Variant type: single nucleotide variant.
Coding change: c.6565C>G on transcript NM_006946.4 (MANE Select); coding-DNA position 6565, C replaced by G.
Protein change: p.Pro2189Ala; replaces proline 2189 with alanine.
Molecular consequence: missense variant.
Genome position (GRCh38, 1-based): chr11:66,687,584, G>C on the plus strand (C>G on the coding strand, the complement: SPTBN2 is on the minus strand). VCF-style: chr11-66687584-G-C. GRCh37 (hg19) VCF-style: chr11-66455055-G-C.
Other names: c.6586C>G, p.Pro2196Ala (NM_001411025.1); c.6565C>G, p.Pro2189Ala (NM_001437541.1); short protein forms P2189A, P2196A.
Identifiers: ClinVar variation 4977169 (VCV004977169.1).